The following is an entry in ClinVar:

NM_006648.4(WNK2):c.371C>A (p.Pro124His)

Gene: WNK2 (WNK lysine deficient protein kinase 2; plus strand). Cytogenetic location: 9q22.31.
Variant type: single nucleotide variant.
Coding change: c.371C>A on transcript NM_006648.4 (MANE Select); coding-DNA position 371, C replaced by A.
Protein change: p.Pro124His; replaces proline 124 with histidine.
Molecular consequence: missense variant.
Genome position (GRCh38, 1-based): chr9:93,185,300, C>A. VCF-style: chr9-93185300-C-A. GRCh37 (hg19) VCF-style: chr9-95947582-C-A.
Other names: c.371C>A, p.Pro124His (NM_001282394.3); short protein forms P124H.
Identifiers: ClinVar variation 4201707 (VCV004201707.1).
Genomic context (GRCh38, chr9:93,185,300, plus strand): 5'-AGCCGGGAGCCCCCGGAGCCCCCGCGGACGCCGGCCCCGAGCCCGTGGGCACGCAGGAGC[C>A]CGGCCCGGACCCCATCGCAGCCGCTGTCGAAACCGCGCCTGCCCCCGACGGCGGCCCCAG-3'
Protein context (NP_006639.3, residues 114-134): AGPEPVGTQE[Pro124His]GPDPIAAAVE

ClinVar aggregate classification (germline): Uncertain significance (1 of 4 stars; one submission).

gnomAD v4.1: 8 of 1,460,710 alleles (0.00055%); highest among the groups gnomAD compares: Non-Finnish European, 0.00072%; no homozygotes.

Submission:

Ambry Genetics
Classification: Uncertain significance. Last evaluated: 2025-08-03. Review status: criteria provided, single submitter. Criteria: Ambry Variant Classification Scheme 2023. Collection method: clinical testing. Allele origin: germline.
Comment: The p.P124H variant (also known as c.371C>A), located in coding exon 1 of the WNK2 gene, results from a C to A substitution at nucleotide position 371. The proline at codon 124 is replaced by histidine, an amino acid with similar properties. This amino acid position is conserved. In addition, this alteration is predicted to be tolerated by in silico analysis. Based on the available evidence, the clinical significance of this variant remains unclear.